The following is an entry in ClinVar:

ClinVar aggregate classification (germline): Pathogenic (1 of 4 stars; one submission).

Conditions:
Hereditary cancer-predisposing syndrome. Also called: Neoplastic Syndromes, Hereditary; Tumor predisposition; Hereditary Cancer Syndrome; Hereditary neoplastic syndrome. Identifiers: Orphanet 140162, MedGen C0027672, MeSH D009386, MONDO:0015356.
Cardiovascular phenotype. Identifiers: MedGen CN230736.

Submission:

Ambry Genetics
Classification: Pathogenic for Cardiovascular phenotype; Hereditary cancer-predisposing syndrome. Last evaluated: 2017-02-13. Review status: criteria provided, single submitter. Criteria: Ambry Variant Classification Scheme 2023. Collection method: clinical testing. Allele origin: germline.
Comment: The c.7849delA pathogenic mutation, located in coding exon 53 of the NF1 gene, results from a deletion of one nucleotide at nucleotide position 7849, causing a translational frameshift with a predicted alternate stop codon (p.I2617Ffs*6). This alteration is expected to result in loss of function by premature protein truncation or nonsense-mediated mRNA decay. As such, this alteration is interpreted as a disease-causing mutation.

NM_001042492.3(NF1):c.7912del (p.Ile2638fs)

Gene: NF1 (neurofibromin 1; plus strand). Cytogenetic location: 17q11.2.
Variant type: Deletion.
Coding change: c.7912del on transcript NM_001042492.3 (MANE Select); coding-DNA position 7912, one base deleted (A; older notation c.7912delA).
Protein change: p.Ile2638fs; shifts the reading frame from isoleucine 2638.
Molecular consequence: frameshift variant.
Genome position (GRCh38, 1-based): chr17:31,357,311, A deleted; the last of 2 consecutive A bases (chr17:31,357,310-31,357,311); deleting either gives the same sequence. VCF-style (leftmost placement, unchanged base first): chr17-31357309-GA-G. GRCh37 (hg19) VCF-style: chr17-29684327-GA-G.
Other names: c.7849delA (NM_000267.3); c.7849delA, p.Ile2617Phefs (NM_000267.4); short protein forms I2638fs, I2617fs.
Identifiers: ClinVar variation 1760874 (VCV001760874.2), dbSNP rs2508830006, ClinGen allele CA2580093472.
Genomic context (GRCh38, chr17:31,357,309, plus strand): 5'-ACTTTTTTGCATCTTGGCAGGCTACACTGGTAAAATATACCACAGATGAGTTTGATCAAC[GA>G]ATTCTTTATGAATACTTAGCAGAGGCCAGTGTTGTGTTTCCCAAAGTCTTTCCTGTTGTG-3'